The following is an entry in ClinVar:

ClinVar aggregate classification (germline): Likely benign. Review status: criteria provided, single submitter (1 of 4 stars). 2 submissions from 2 submitters: Likely benign (1). 1 of the submissions does not count toward it. Last evaluated 2024-10-16.

Conditions:
NPC1-related disorder. Also called: NPC1-related condition.
Niemann-Pick disease, type C1. Also called: NIEMANN-PICK DISEASE, VARIANT TYPE C1; NEUROVISCERAL STORAGE DISEASE WITH VERTICAL SUPRANUCLEAR OPHTHALMOPLEGIA; NIEMANN-PICK DISEASE WITH CHOLESTEROL ESTERIFICATION BLOCK; NIEMANN-PICK DISEASE WITHOUT SPHINGOMYELINASE DEFICIENCY; NIEMANN-PICK DISEASE, CHRONIC NEURONOPATHIC FORM. Identifiers: Orphanet 646, MedGen C3179455, MONDO:0009757, OMIM 257220.

Submissions (2):

Labcorp Genetics (formerly Invitae), Labcorp
Classification: Likely benign for Niemann-Pick disease, type C1. Last evaluated: 2024-10-16. Review status: criteria provided, single submitter. Criteria: Invitae Variant Classification Sherloc (09022015). Collection method: clinical testing. Allele origin: germline.

PreventionGenetics, part of Exact Sciences
Classification: Likely benign for NPC1-related condition. Last evaluated: 2023-09-08. Review status: no assertion criteria provided. Collection method: clinical testing. Allele origin: germline. Not counted in ClinVar's aggregate classification.
Comment: This variant is classified as likely benign based on ACMG/AMP sequence variant interpretation guidelines (Richards et al. 2015 PMID: 25741868, with internal and published modifications).

NM_000271.5(NPC1):c.1947+13_1947+14insGGGA

Gene: NPC1 (NPC intracellular cholesterol transporter 1; minus strand). Cytogenetic location: 18q11.2.
Variant type: Insertion.
Coding change: c.1947+13_1947+14insGGGA on transcript NM_000271.5 (MANE Select); bases 13 to 14 of the intron after coding-DNA position 1947, GGGA inserted.
Molecular consequence: intron variant.
Genome position: GRCh38 VCF-style: chr18-23544946-C-CCCCT. GRCh37 (hg19) VCF-style: chr18-21124910-C-CCCCT.
Other names: c.1947+13_1947+14insAGGG (NM_000271.4).
Identifiers: ClinVar variation 1607978 (VCV001607978.10), dbSNP rs1555634644, ClinGen allele CA777725046.